The following is an entry in ClinVar:

ClinVar aggregate classification (germline): Uncertain significance. Review status: criteria provided, multiple submitters, no conflicts (2 of 4 stars). 2 submissions from 2 submitters: Uncertain significance (2). Last evaluated 2025-08-29.

Allele frequency attached by ClinVar (database versions not stated): gnomAD exomes 0.00001; gnomAD 0.00009; ESP Exome Variant Server 0.00008; TOPMed 0.00010.

Submissions (2):

Labcorp Genetics (formerly Invitae), Labcorp
Classification: Uncertain significance. Last evaluated: 2025-08-29. Review status: criteria provided, single submitter. Criteria: Invitae Variant Classification Sherloc (09022015). Collection method: clinical testing. Allele origin: germline.
Comment: This sequence change replaces histidine, which is basic and polar, with arginine, which is basic and polar, at codon 419 of the FSCN2 protein (p.His419Arg). This variant is present in population databases (rs367604773, gnomAD 0.03%). This variant has not been reported in the literature in individuals affected with FSCN2-related conditions. ClinVar contains an entry for this variant (Variation ID: 2900688). An algorithm developed to predict the effect of missense changes on protein structure and function (PolyPhen-2) suggests that this variant is likely to be tolerated. In summary, the available evidence is currently insufficient to determine the role of this variant in disease. Therefore, it has been classified as a Variant of Uncertain Significance.

Ambry Genetics
Classification: Uncertain significance. Last evaluated: 2025-08-22. Review status: criteria provided, single submitter. Criteria: Ambry Variant Classification Scheme 2023. Collection method: clinical testing. Allele origin: germline.

NM_012418.4(FSCN2):c.1184A>G (p.His395Arg)

Gene: FSCN2 (fascin actin-bundling protein 2, retinal; plus strand). Cytogenetic location: 17q25.3.
Variant type: single nucleotide variant.
Coding change: c.1184A>G on transcript NM_012418.4 (MANE Select); coding-DNA position 1184, A replaced by G.
Protein change: p.His395Arg; replaces histidine 395 with arginine.
Molecular consequence: missense variant.
Genome position (GRCh38, 1-based): chr17:81,536,700, A>G. VCF-style: chr17-81536700-A-G. GRCh37 (hg19) VCF-style: chr17-79503726-A-G.
Other names: c.1256A>G, p.His419Arg (NM_001077182.3); c.1256A>G (NM_001077182.2); short protein forms H395R, H419R.
Identifiers: ClinVar variation 2900688 (VCV002900688.4), dbSNP rs367604773, ClinGen allele CA8837028.